The following is an entry in ClinVar:

NM_020871.4(LRCH2):c.2053A>G (p.Ile685Val)

Gene: LRCH2 (leucine rich repeats and calponin homology domain containing 2; minus strand). Cytogenetic location: Xq23.
Variant type: single nucleotide variant.
Coding change: c.2053A>G on transcript NM_020871.4 (MANE Select); coding-DNA position 2053, A replaced by G.
Protein change: p.Ile685Val; replaces isoleucine 685 with valine.
Molecular consequence: missense variant.
Genome position (GRCh38, 1-based): chrX:115,122,807, T>C on the plus strand (A>G on the coding strand, the complement: LRCH2 is on the minus strand). VCF-style: chrX-115122807-T-C. GRCh37 (hg19) VCF-style: chrX-114357370-T-C.
Other names: c.2002A>G, p.Ile668Val (NM_001243963.2); short protein forms I668V, I685V.
Identifiers: ClinVar variation 2661229 (VCV002661229.24), dbSNP rs367994245, ClinGen allele CA10495858.

ClinVar aggregate classification (germline): Likely benign (1 of 4 stars; one submission).

Allele frequency attached by ClinVar (database versions not stated): gnomAD exomes 0.00002; TOPMed 0.00004; gnomAD 0.00005; ExAC 0.00006; ESP Exome Variant Server 0.00010.
gnomAD v4.1: 31 of 1,208,828 alleles (0.0026%); highest among the groups gnomAD compares: Non-Finnish European, 0.0032%; no homozygotes.

Submission:

CeGaT Center for Human Genetics Tuebingen
Classification: Likely benign. Last evaluated: 2023-04-01. Review status: criteria provided, single submitter. Criteria: CeGaT Center For Human Genetics Tuebingen Variant Classification Criteria Version 2. Collection method: clinical testing. Allele origin: germline. Affected: yes. Observed: 1 variant allele.
Comment: LRCH2: BS2